The following is an entry in ClinVar:

ClinVar aggregate classification (germline): Uncertain significance (1 of 4 stars; one submission).

Conditions:
Familial adenomatous polyposis 2. Also called: Adenomas, multiple colorectal; MYH-associated polyposis; COLORECTAL ADENOMATOUS POLYPOSIS, AUTOSOMAL RECESSIVE; ADENOMAS, MULTIPLE COLORECTAL, AUTOSOMAL RECESSIVE; FAP type 2; MUTYH Polyposis. Identifiers: Orphanet 220460, Orphanet 247798, MedGen C3272841, MONDO:0012041, OMIM 608456.

Submission:

Labcorp Genetics (formerly Invitae), Labcorp
Classification: Uncertain significance for Familial adenomatous polyposis 2. Last evaluated: 2021-07-08. Review status: criteria provided, single submitter. Criteria: Invitae Variant Classification Sherloc (09022015). Collection method: clinical testing. Allele origin: germline.
Comment: This variant results in the deletion of part of exon 16 (c.1519-4_1523del) of the MUTYH gene. While this variant is not anticipated to result in nonsense mediated decay, it likely alters RNA splicing and results in a disrupted protein product. This variant is not present in population databases (ExAC no frequency). This variant has not been reported in the literature in individuals affected with MUTYH-related conditions. Nucleotide substitutions within the consensus splice site are a relatively common cause of aberrant splicing (PMID: 17576681, 9536098). Algorithms developed to predict the effect of sequence changes on RNA splicing suggest that this variant may disrupt the consensus splice site. In summary, the available evidence is currently insufficient to determine the role of this variant in disease. Therefore, it has been classified as a Variant of Uncertain Significance.

Literature cited by the submitters: PubMed 17576681; PubMed 9536098.

NM_001048174.2(MUTYH):c.1435-4_1439del

Gene: MUTYH (mutY DNA glycosylase; minus strand). Cytogenetic location: 1p34.1.
Variant type: Deletion.
Coding change: c.1435-4_1439del on transcript NM_001048174.2 (MANE Select); 4 bases into the intron before coding-DNA position 1435 through coding-DNA position 1439, 9 bases deleted (ACAGGGTTC; older notation c.1435-4_1439delACAGGGTTC).
Molecular consequence: splice acceptor variant.
Genome position (GRCh38, 1-based): chr1:45,329,433-45,329,441, GAACCCTGT deleted on the plus strand (ACAGGGTTC on the coding strand, the reverse complement: MUTYH is on the minus strand); deleting any 9 consecutive bases within chr1:45,329,433-45,329,444 gives the same sequence; the c. name uses the placement nearest the transcript's 3' end. VCF-style (leftmost placement, unchanged base first): chr1-45329432-GGAACCCTGT-G. GRCh37 (hg19) VCF-style: chr1-45795104-GGAACCCTGT-G.
Other names: c.1090-4_1094del (NM_001350651.2, NM_001350650.2); c.1159-4_1163del (NM_001293192.2, NM_001293196.2); c.1435-4_1439del (NM_001048171.2, NM_001048173.2, NM_001293195.2); c.1480-4_1484del (NM_001293190.2); c.1510-4_1514del (NM_012222.3); c.1519-4_1523del (NM_001128425.2); c.1438-4_1442del (NM_001048172.2); c.1468-4_1472del (NM_001293191.2).
Identifiers: ClinVar variation 1404701 (VCV001404701.3), dbSNP rs2149090197, ClinGen allele CA2573131983.